The following is an entry in ClinVar:

NM_145290.4(ADGRA3):c.1345G>A (p.Val449Met)

Gene: ADGRA3 (adhesion G protein-coupled receptor A3; minus strand). Cytogenetic location: 4p15.2.
Variant type: single nucleotide variant.
Coding change: c.1345G>A on transcript NM_145290.4 (MANE Select); coding-DNA position 1345, G replaced by A.
Protein change: p.Val449Met; replaces valine 449 with methionine.
Molecular consequence: missense variant.
Genome position (GRCh38, 1-based): chr4:22,435,409, C>T on the plus strand (G>A on the coding strand, the complement: ADGRA3 is on the minus strand). VCF-style: chr4-22435409-C-T. GRCh37 (hg19) VCF-style: chr4-22437032-C-T.
Other names: short protein forms V449M.
Identifiers: ClinVar variation 1917002 (VCV001917002.5), dbSNP rs1716353632, ClinGen allele CA356481893.
Genomic context (GRCh38, chr4:22,435,409, plus strand): 5'-TTTCAATCATTTCTGCCACAAATATAACATCCATTTTGTCAGAAAAGTTGGCTGCTTCCA[C>T]AGTGTAAGCCAGTAACTGTCGAGCTGTTGCCACGGCATTGGTAAGATTGAGGGGCATCTA-3'
Protein context (NP_660333.2, residues 439-459): ATARQLLAYT[Val449Met]EAANFSDKMD

ClinVar aggregate classification (germline): Uncertain significance (1 of 4 stars; one submission).

Allele frequency attached by ClinVar (database versions not stated): TOPMed below 0.00001; gnomAD exomes 0.00001.
gnomAD v4.1: 8 of 1,612,774 alleles (0.0005%); highest among the groups gnomAD compares: Non-Finnish European, 0.00068%; no homozygotes.

Submission:

Labcorp Genetics (formerly Invitae), Labcorp
Classification: Uncertain significance. Last evaluated: 2025-03-17. Review status: criteria provided, single submitter. Criteria: Invitae Variant Classification Sherloc (09022015). Collection method: clinical testing. Allele origin: germline.
Comment: This sequence change replaces valine, which is neutral and non-polar, with methionine, which is neutral and non-polar, at codon 449 of the ADGRA3 protein (p.Val449Met). This variant is not present in population databases (gnomAD no frequency). This variant has not been reported in the literature in individuals affected with ADGRA3-related conditions. ClinVar contains an entry for this variant (Variation ID: 1917002). An algorithm developed to predict the effect of missense changes on protein structure and function (PolyPhen-2) suggests that this variant is likely to be disruptive. In summary, the available evidence is currently insufficient to determine the role of this variant in disease. Therefore, it has been classified as a Variant of Uncertain Significance.